The following is an entry in ClinVar:

ClinVar aggregate classification (germline): Uncertain significance (1 of 4 stars; one submission).

Conditions:
Charcot-Marie-Tooth disease axonal type 2S. Also called: CHARCOT-MARIE-TOOTH NEUROPATHY, TYPE 2S; CHARCOT-MARIE-TOOTH DISEASE, AXONAL, AUTOSOMAL RECESSIVE, TYPE 2S. Identifiers: Orphanet 443073, MedGen C4015349, MONDO:0014511, OMIM 616155.
Autosomal recessive distal spinal muscular atrophy 1. Also called: SEVERE INFANTILE AXONAL NEUROPATHY WITH RESPIRATORY FAILURE; SPINAL MUSCULAR ATROPHY, DIAPHRAGMATIC; Spinal muscular atrophy with respiratory distress 1; HMN VI; NEURONOPATHY, SEVERE INFANTILE AXONAL, WITH RESPIRATORY FAILURE; NEURONOPATHY, DISTAL HEREDITARY MOTOR, HARDING TYPE VI. Identifiers: Orphanet 98920, MedGen C1858517, MONDO:0011436, OMIM 604320.

Allele frequency attached by ClinVar (database versions not stated): TOPMed below 0.00001; ExAC 0.00001; gnomAD exomes 0.00001 and 0.00002.
gnomAD v4.1: 24 of 1,613,760 alleles (0.0015%); highest among the groups gnomAD compares: Non-Finnish European, 0.0019%; no homozygotes.

Submission:

Labcorp Genetics (formerly Invitae), Labcorp
Classification: Uncertain significance for Autosomal recessive distal spinal muscular atrophy 1; Charcot-Marie-Tooth disease axonal type 2S. Last evaluated: 2025-12-08. Review status: criteria provided, single submitter. Criteria: Invitae Variant Classification Sherloc (09022015). Collection method: clinical testing. Allele origin: germline.
Comment: This sequence change replaces threonine, which is neutral and polar, with alanine, which is neutral and non-polar, at codon 903 of the IGHMBP2 protein (p.Thr903Ala). This variant is present in population databases (rs766526224, gnomAD 0.002%). This variant has not been reported in the literature in individuals affected with IGHMBP2-related conditions. ClinVar contains an entry for this variant (Variation ID: 859546). Invitae Evidence Modeling of protein sequence and biophysical properties (such as structural, functional, and spatial information, amino acid conservation, physicochemical variation, residue mobility, and thermodynamic stability) indicates that this missense variant is not expected to disrupt IGHMBP2 protein function with a negative predictive value of 95%. In summary, the available evidence is currently insufficient to determine the role of this variant in disease. Therefore, it has been classified as a Variant of Uncertain Significance.

NM_002180.3(IGHMBP2):c.2707A>G (p.Thr903Ala)

Gene: IGHMBP2 (immunoglobulin mu DNA binding protein 2; plus strand). Cytogenetic location: 11q13.3.
Variant type: single nucleotide variant.
Coding change: c.2707A>G on transcript NM_002180.3 (MANE Select); coding-DNA position 2707, A replaced by G.
Protein change: p.Thr903Ala; replaces threonine 903 with alanine.
Molecular consequence: missense variant.
Genome position (GRCh38, 1-based): chr11:68,938,277, A>G. VCF-style: chr11-68938277-A-G. GRCh37 (hg19) VCF-style: chr11-68705745-A-G.
Other names: short protein forms T903A.
Identifiers: ClinVar variation 859546 (VCV000859546.10), dbSNP rs766526224, ClinGen allele CA6153988.
Genomic context (GRCh38, chr11:68,938,277, plus strand): 5'-TTTGAGGCCCTGGTTTCTGCCGCCGTTAAGGCTGATAACACCTGCGGCTTTGCCAAGTGC[A>G]CAGCCGGCGTCACAACCCTGGGCCAGTTCTGCCAGCTCTGCAGCCGCCGCTACTGCCTCA-3'
Protein context (NP_002171.2, residues 893-913): ADNTCGFAKC[Thr903Ala]AGVTTLGQFC